The following is an entry in ClinVar:

ClinVar aggregate classification (germline): Uncertain significance (1 of 4 stars; one submission).

Conditions:
Febrile seizures, familial, 8 (FEB8). Also called: CONVULSIONS, FAMILIAL FEBRILE, 8. Identifiers: Orphanet 36387, MedGen C1969810, MONDO:0011891, OMIM 607681.
EPILEPSY, CHILDHOOD ABSENCE, SUSCEPTIBILITY TO, 2 (ECA2). Identifiers: Orphanet 64280, MedGen C1843244, OMIM 607681.

Submission:

Labcorp Genetics (formerly Invitae), Labcorp
Classification: Uncertain significance for Febrile seizures, familial, 8; EPILEPSY, CHILDHOOD ABSENCE, SUSCEPTIBILITY TO, 2. Last evaluated: 2026-02-01. Review status: criteria provided, single submitter. Criteria: Invitae Variant Classification Sherloc (09022015). Collection method: clinical testing. Allele origin: germline.
Comment: This sequence change replaces threonine, which is neutral and polar, with isoleucine, which is neutral and non-polar, at codon 388 of the GABRG2 protein (p.Thr388Ile). This variant is not present in population databases (gnomAD no frequency). This variant has not been reported in the literature in individuals affected with GABRG2-related conditions. Invitae Evidence Modeling of protein sequence and biophysical properties (such as structural, functional, and spatial information, amino acid conservation, physicochemical variation, residue mobility, and thermodynamic stability) has been performed for this missense variant. However, the output from this modeling did not meet the statistical confidence thresholds required to predict the impact of this variant on GABRG2 protein function. In summary, the available evidence is currently insufficient to determine the role of this variant in disease. Therefore, it has been classified as a Variant of Uncertain Significance.

NM_198904.4(GABRG2):c.1187C>T (p.Thr396Ile)

Gene: GABRG2 (gamma-aminobutyric acid type A receptor subunit gamma2; plus strand). Cytogenetic location: 5q34.
Variant type: single nucleotide variant.
Coding change: c.1187C>T on transcript NM_198904.4 (MANE Select); coding-DNA position 1187, C replaced by T.
Protein change: p.Thr396Ile; replaces threonine 396 with isoleucine.
Molecular consequence: missense variant. On other transcripts: 3 prime UTR variant (1).
Genome position (GRCh38, 1-based): chr5:162,153,127, C>T. VCF-style: chr5-162153127-C-T. GRCh37 (hg19) VCF-style: chr5-161580133-C-T.
Other names: c.1163C>T, p.Thr388Ile (NM_000816.3); c.1178C>T, p.Thr393Ile (NM_001375339.1); c.*21C>T (NM_001375340.1); c.1184C>T, p.Thr395Ile (NM_001375341.1); c.1160C>T, p.Thr387Ile (NM_001375342.1); c.1283C>T, p.Thr428Ile (NM_001375343.1); c.1226C>T, p.Thr409Ile (NM_001375344.1); c.1097C>T, p.Thr366Ile (NM_001375345.1); and 6 more; short protein forms T248I, T367I, T387I, T395I, T396I, T436I, T293I, T366I.
Identifiers: ClinVar variation 4789504 (VCV004789504.1).
Genomic context (GRCh38, chr5:162,153,127, plus strand): 5'-CCTCTCCTTCCCTACCCTCGTCCCAGGCCCCTACCATTGATATCCGCCCAAGATCAGCAA[C>T]CATTCAAATGAATAATGCTACACACCTTCAAGAGAGAGATGAAGAGTACGGCTATGAGTG-3'
Protein context (NP_944494.1, residues 386-406): PTIDIRPRSA[Thr396Ile]IQMNNATHLQ